The following is an entry in ClinVar:

ClinVar aggregate classification (germline): Benign/Likely benign. Review status: criteria provided, multiple submitters, no conflicts (2 of 4 stars). 3 submissions from 3 submitters: Benign (1); Likely benign (1). 1 of the submissions does not count toward it. Last evaluated 2025-08-30.

Conditions:
MYO5A-related disorder. Also called: MYO5A-related condition.

Allele frequency attached by ClinVar (database versions not stated): gnomAD exomes 0.00017 and 0.00039; ExAC 0.00046; 1000 Genomes Project 30x 0.00094; 1000 Genomes Project 0.00100; ESP Exome Variant Server 0.00121; gnomAD 0.00163 and 0.00181; TOPMed 0.00201.
gnomAD v4.1: 506 of 1,612,914 alleles (0.031%); highest among the groups gnomAD compares: African/African-American, 0.61%; 2 homozygotes.

Submissions (3):

Labcorp Genetics (formerly Invitae), Labcorp
Classification: Benign. Last evaluated: 2025-08-30. Review status: criteria provided, single submitter. Criteria: Invitae Variant Classification Sherloc (09022015). Collection method: clinical testing. Allele origin: germline.

Blueprint Genetics
Classification: Likely benign. Last evaluated: 2024-10-07. Review status: criteria provided, single submitter. Criteria: ACMG Guidelines, 2015. Collection method: clinical testing. Allele origin: germline.

PreventionGenetics, part of Exact Sciences
Classification: Likely benign for MYO5A-related condition. Last evaluated: 2019-11-13. Review status: no assertion criteria provided. Collection method: clinical testing. Allele origin: germline. Not counted in ClinVar's aggregate classification.
Comment: This variant is classified as likely benign based on ACMG/AMP sequence variant interpretation guidelines (Richards et al. 2015 PMID: 25741868, with internal and published modifications).

NM_001382347.1(MYO5A):c.4952-18A>G

Gene: MYO5A (myosin VA; minus strand). Cytogenetic location: 15q21.2.
Variant type: single nucleotide variant.
Coding change: c.4952-18A>G on transcript NM_001382347.1 (MANE Select); 18 bases into the intron before coding-DNA position 4952, A replaced by G.
Molecular consequence: intron variant.
Genome position (GRCh38, 1-based): chr15:52,319,360, T>C on the plus strand (A>G on the coding strand, the complement: MYO5A is on the minus strand). VCF-style: chr15-52319360-T-C. GRCh37 (hg19) VCF-style: chr15-52611557-T-C.
Other names: c.4877-18A>G (NM_000259.3); c.4796-18A>G (NM_001142495.2); c.4949-18A>G (NM_001382349.1); c.5024-18A>G (NM_001382348.1).
Identifiers: ClinVar variation 1599099 (VCV001599099.11), dbSNP rs370561421, ClinGen allele CA7567975.